The following is an entry in ClinVar:

NM_207117.4(SLC25A47):c.882C>T (p.Val294=)

Gene: SLC25A47 (solute carrier family 25 member 47; plus strand). Cytogenetic location: 14q32.2.
Variant type: single nucleotide variant.
Coding change: c.882C>T on transcript NM_207117.4 (MANE Select); coding-DNA position 882, C replaced by T.
Protein change: p.Val294=; no amino-acid change (valine 294 retained).
Molecular consequence: synonymous variant.
Genome position (GRCh38, 1-based): chr14:100,329,600, C>T. VCF-style: chr14-100329600-C-T. GRCh37 (hg19) VCF-style: chr14-100795937-C-T.
Other names: c.444C>T, p.Val148= (NM_001350877.2).
Identifiers: ClinVar variation 2644528 (VCV002644528.24), dbSNP rs141510710, ClinGen allele CA7344945.

ClinVar aggregate classification (germline): Likely benign (1 of 4 stars; one submission).

Allele frequency attached by ClinVar (database versions not stated): 1000 Genomes Project 0.00459; 1000 Genomes Project 30x 0.00468; gnomAD exomes 0.00491; ExAC 0.00506; TOPMed 0.00553; gnomAD 0.00607; ESP Exome Variant Server 0.00661.
gnomAD v4.1: 8,079 of 1,613,616 alleles (0.5%); highest among the groups gnomAD compares: Middle Eastern, 0.88%; 36 homozygotes.

Submission:

CeGaT Center for Human Genetics Tuebingen
Classification: Likely benign. Last evaluated: 2023-03-01. Review status: criteria provided, single submitter. Criteria: CeGaT Center For Human Genetics Tuebingen Variant Classification Criteria Version 2. Collection method: clinical testing. Allele origin: germline. Affected: yes. Observed: 2 variant alleles.
Comment: SLC25A47: BP4, BP7, BS2